The following is an entry in ClinVar:

NM_002470.4(MYH3):c.5208G>T (p.Met1736Ile)

Gene: MYH3 (myosin heavy chain 3; minus strand). Cytogenetic location: 17p13.1.
Variant type: single nucleotide variant.
Coding change: c.5208G>T on transcript NM_002470.4 (MANE Select); coding-DNA position 5208, G replaced by T.
Protein change: p.Met1736Ile; replaces methionine 1736 with isoleucine.
Molecular consequence: missense variant.
Genome position (GRCh38, 1-based): chr17:10,631,689, C>A on the plus strand (G>T on the coding strand, the complement: MYH3 is on the minus strand). VCF-style: chr17-10631689-C-A. GRCh37 (hg19) VCF-style: chr17-10535006-C-A.
Other names: c.5208G>T (NM_002470.3); short protein forms M1736I.
Identifiers: ClinVar variation 2797243 (VCV002797243.3), dbSNP rs145593110, ClinGen allele CA8392013.

ClinVar aggregate classification (germline): Uncertain significance. Review status: criteria provided, multiple submitters, no conflicts (2 of 4 stars). 2 submissions from 2 submitters: Uncertain significance (2). Last evaluated 2025-04-03.

Conditions:
Inborn genetic diseases. Identifiers: MedGen C0950123, MeSH D030342.

Allele frequency attached by ClinVar (database versions not stated): ExAC 0.00002; TOPMed 0.00003; gnomAD exomes 0.00004; gnomAD 0.00005; ESP Exome Variant Server 0.00008.

Submissions (2):

Ambry Genetics
Classification: Uncertain significance for Inborn genetic diseases. Last evaluated: 2025-04-03. Review status: criteria provided, single submitter. Criteria: Ambry Variant Classification Scheme 2023. Collection method: clinical testing. Allele origin: germline.

Labcorp Genetics (formerly Invitae), Labcorp
Classification: Uncertain significance. Last evaluated: 2024-10-17. Review status: criteria provided, single submitter. Criteria: Invitae Variant Classification Sherloc (09022015). Collection method: clinical testing. Allele origin: germline.
Comment: This sequence change replaces methionine, which is neutral and non-polar, with isoleucine, which is neutral and non-polar, at codon 1736 of the MYH3 protein (p.Met1736Ile). This variant is present in population databases (rs145593110, gnomAD 0.004%). This variant has not been reported in the literature in individuals affected with MYH3-related conditions. Invitae Evidence Modeling of protein sequence and biophysical properties (such as structural, functional, and spatial information, amino acid conservation, physicochemical variation, residue mobility, and thermodynamic stability) indicates that this missense variant is not expected to disrupt MYH3 protein function with a negative predictive value of 95%. In summary, the available evidence is currently insufficient to determine the role of this variant in disease. Therefore, it has been classified as a Variant of Uncertain Significance.